The following is an entry in ClinVar:

NM_206926.2(SELENON):c.1060A>G (p.Ser354Gly)

Gene: SELENON (selenoprotein N; plus strand). Cytogenetic location: 1p36.11.
Variant type: single nucleotide variant.
Coding change: c.1060A>G on transcript NM_206926.2 (MANE Select); coding-DNA position 1060, A replaced by G.
Protein change: p.Ser354Gly; replaces serine 354 with glycine.
Molecular consequence: missense variant.
Genome position (GRCh38, 1-based): chr1:25,811,760, A>G. VCF-style: chr1-25811760-A-G. GRCh37 (hg19) VCF-style: chr1-26138251-A-G.
Other names: c.1162A>G, p.Ser388Gly (NM_020451.3); short protein forms S388G, S354G.
Identifiers: ClinVar variation 380239 (VCV000380239.43), dbSNP rs562843129, ClinGen allele CA696784.

ClinVar aggregate classification (germline): Benign/Likely benign. Review status: criteria provided, multiple submitters, no conflicts (2 of 4 stars). 6 submissions from 6 submitters: Benign (2); Likely benign (3). 1 of the submissions does not count toward it. Last evaluated 2026-01-28.

Conditions:
SELENON-related disorder. Also called: SELENON-related condition.
Eichsfeld type congenital muscular dystrophy (CMYO3). Also called: MYOPATHY, SEPN1-RELATED; Rigid spine muscular dystrophy 1; SELENON-related myopathy; Congenital myopathy 3 with rigid spine. Identifiers: MedGen C0410180, MONDO:0100100, OMIM 602771.
SEPN1-related disorder. Also called: SEPN1-Related Disorders. Identifiers: MedGen CN239420.

Allele frequency attached by ClinVar (database versions not stated): gnomAD 0.00001 and 0.00022; TOPMed 0.00007; gnomAD exomes 0.00088; ExAC 0.00136; 1000 Genomes Project 30x 0.00141; 1000 Genomes Project 0.00160.
gnomAD v4.1: 604 of 1,598,172 alleles (0.038%); highest among the groups gnomAD compares: South Asian, 0.63%; 11 homozygotes.

Submissions (6):

Labcorp Genetics (formerly Invitae), Labcorp
Classification: Benign for Eichsfeld type congenital muscular dystrophy. Last evaluated: 2026-01-28. Review status: criteria provided, single submitter. Criteria: Invitae Variant Classification Sherloc (09022015). Collection method: clinical testing. Allele origin: germline.

CeGaT Center for Human Genetics Tuebingen
Classification: Likely benign. Last evaluated: 2023-01-01. Review status: criteria provided, single submitter. Criteria: CeGaT Center For Human Genetics Tuebingen Variant Classification Criteria Version 2. Collection method: clinical testing. Allele origin: germline. Affected: yes. Observed: 1 variant allele.
Comment: SELENON: BS2

GeneDx
Classification: Benign. Last evaluated: 2020-08-07. Review status: criteria provided, single submitter. Criteria: GeneDx Variant Classification Process June 2021. Collection method: clinical testing. Allele origin: germline. Affected: yes.
Comment: This variant is associated with the following publications: (PMID: 27829003, 25182138)

Illumina Laboratory Services, Illumina
Classification: Likely benign for SEPN1-Related Disorders. Last evaluated: 2017-04-27. Review status: criteria provided, single submitter. Criteria: ICSL Variant Classification Criteria 13 December 2019. Collection method: clinical testing. Allele origin: germline.
Comment: This variant was observed as part of a predisposition screen in an ostensibly healthy population. A literature search was performed for the gene, cDNA change, and amino acid change (where applicable). Publications were found based on this search. The evidence from the literature, in combination with allele frequency data from public databases where available, was sufficient to determine this variant is unlikely to cause disease. Therefore, this variant is classified as likely benign.

Breakthrough Genomics
Classification: Likely benign. Review status: criteria provided, single submitter. Criteria: ACMG Guidelines, 2015. Collection method: not provided. Allele origin: germline. Inheritance: Autosomal recessive inheritance. Affected: yes.

PreventionGenetics, part of Exact Sciences
Classification: Likely benign for SELENON-related condition. Last evaluated: 2019-11-27. Review status: no assertion criteria provided. Collection method: clinical testing. Allele origin: germline. Not counted in ClinVar's aggregate classification.
Comment: This variant is classified as likely benign based on ACMG/AMP sequence variant interpretation guidelines (Richards et al. 2015 PMID: 25741868, with internal and published modifications).

Literature cited by the submitters: PubMed 25182138 (cited by Illumina Laboratory Services, Illumina).